The following is an entry in ClinVar:

NM_001365536.1(SCN9A):c.4176C>T (p.Val1392=)

Genes: SCN1A-AS1 (SCN1A and SCN9A antisense RNA 1; plus strand), SCN9A (sodium voltage-gated channel alpha subunit 9; minus strand). Cytogenetic location: 2q24.3.
Variant type: single nucleotide variant.
Coding change: c.4176C>T on transcript NM_001365536.1 (MANE Select); coding-DNA position 4176, C replaced by T.
Protein change: p.Val1392=; no amino-acid change (valine 1392 retained).
Molecular consequence: synonymous variant.
Genome position (GRCh38, 1-based): chr2:166,228,721, G>A on the plus strand (C>T on the coding strand, the complement: SCN9A is on the minus strand). VCF-style: chr2-166228721-G-A. GRCh37 (hg19) VCF-style: chr2-167085231-G-A.
Other names: c.4143C>T, p.Val1381= (NM_002977.4).
Identifiers: ClinVar variation 471124 (VCV000471124.16), dbSNP rs558455181, ClinGen allele CA1943937.

ClinVar aggregate classification (germline): Benign/Likely benign. Review status: criteria provided, multiple submitters, no conflicts (2 of 4 stars). 4 submissions from 4 submitters: Benign (1); Likely benign (3). Last evaluated 2026-06-27.

Conditions:
SCN9A-related disorder. Also called: SCN9A-related disorders; SCN9A-related condition.
Neuropathy, hereditary sensory and autonomic, type 2A (HSAN2A). Also called: HSAN IIA; ACROOSTEOLYSIS, GIACCAI TYPE; ACROOSTEOLYSIS, NEUROGENIC; MORVAN DISEASE; NEUROPATHY, CONGENITAL SENSORY; NEUROPATHY, HEREDITARY SENSORY RADICULAR, AUTOSOMAL RECESSIVE. Identifiers: Orphanet 970, MedGen C2752089, MONDO:0024309, OMIM 201300.
Generalized epilepsy with febrile seizures plus, type 7 (GEFSP7). Also called: GEFS+, TYPE 7. Identifiers: Orphanet 36387, MedGen C2751778, MONDO:0013470, OMIM 613863.
Inborn genetic diseases. Identifiers: MedGen C0950123, MeSH D030342.

Allele frequency attached by ClinVar (database versions not stated): gnomAD exomes 0.00005 and 0.00016; gnomAD 0.00007 and 0.00008; TOPMed 0.00008; ExAC 0.00011; 1000 Genomes Project 30x 0.00016; 1000 Genomes Project 0.00020.
gnomAD v4.1: 79 of 1,613,338 alleles (0.0049%); highest among the groups gnomAD compares: East Asian, 0.12%; no homozygotes.

Submissions (4):

PreventionGenetics, part of Exact Sciences
Classification: Likely benign for SCN9A-related condition. Last evaluated: 2026-06-27. Review status: criteria provided, single submitter. Criteria: ACMG Guidelines, 2015. Collection method: clinical testing. Allele origin: germline.
Comment: This variant is classified as likely benign based on ACMG/AMP sequence variant interpretation guidelines (Richards et al. 2015 PMID: 25741868, with internal and published modifications).

Labcorp Genetics (formerly Invitae), Labcorp
Classification: Benign for Neuropathy, hereditary sensory and autonomic, type 2A; Generalized epilepsy with febrile seizures plus, type 7. Last evaluated: 2025-08-17. Review status: criteria provided, single submitter. Criteria: Invitae Variant Classification Sherloc (09022015). Collection method: clinical testing. Allele origin: germline.

Blueprint Genetics
Classification: Likely benign. Last evaluated: 2023-09-26. Review status: criteria provided, single submitter. Criteria: ACMG Guidelines, 2015. Collection method: clinical testing. Allele origin: germline.

Ambry Genetics
Classification: Likely benign for Inborn genetic diseases. Last evaluated: 2019-07-11. Review status: criteria provided, single submitter. Criteria: Ambry Variant Classification Scheme 2023. Collection method: clinical testing. Allele origin: germline.